The following is an entry in ClinVar:

NM_054012.4(ASS1):c.1047G>T (p.Val349=)

Gene: ASS1 (argininosuccinate synthase 1; plus strand). Cytogenetic location: 9q34.11.
Variant type: single nucleotide variant.
Coding change: c.1047G>T on transcript NM_054012.4 (MANE Select); coding-DNA position 1047, G replaced by T.
Protein change: p.Val349=; no amino-acid change (valine 349 retained).
Molecular consequence: synonymous variant.
Genome position (GRCh38, 1-based): chr9:130,494,943, G>T. VCF-style: chr9-130494943-G-T. GRCh37 (hg19) VCF-style: chr9-133370330-G-T.
Other names: c.1047G>T, p.Val349= (NM_000050.4).
Identifiers: ClinVar variation 515444 (VCV000515444.13), dbSNP rs376502913, ClinGen allele CA5283618.
Genomic context (GRCh38, chr9:130,494,943, plus strand): 5'-TGAGTGTGAATTTGTCCGCCACTGCATCGCCAAGTCCCAGGAGCGAGTGGAAGGGAAAGT[G>T]CAGGTGTCCGTCCTCAAGGGCCAGGTGTACATCCTCGGCCGGGAGTCCCCACTGTCTCTC-3'
Protein context (NP_446464.1, residues 339-359): AKSQERVEGK[Val349=]QVSVLKGQVY

ClinVar aggregate classification (germline): Likely benign. Review status: criteria provided, multiple submitters, no conflicts (2 of 4 stars). 3 submissions from 3 submitters: Likely benign (2). 1 of the submissions does not count toward it. Last evaluated 2025-02-27.

Conditions:
Citrullinemia. Identifiers: Orphanet 187, MedGen C0175683, MONDO:0015991.
Citrullinemia type I (CTNL1). Also called: ASS DEFICIENCY; argininosuccinate synthetase deficiency. Identifiers: Orphanet 247525, MedGen C4721769, MONDO:0008988, OMIM 215700.

Allele frequency attached by ClinVar (database versions not stated): gnomAD 0.00006; ESP Exome Variant Server 0.00008; gnomAD exomes 0.00004; ExAC 0.00005; TOPMed 0.00005.
gnomAD v4.1: 73 of 1,613,476 alleles (0.0045%); highest among the groups gnomAD compares: Non-Finnish European, 0.0059%; no homozygotes.

Submissions (3):

Labcorp Genetics (formerly Invitae), Labcorp
Classification: Likely benign for Citrullinemia. Last evaluated: 2025-02-27. Review status: criteria provided, single submitter. Criteria: Invitae Variant Classification Sherloc (09022015). Collection method: clinical testing. Allele origin: germline.

GeneDx
Classification: Likely benign. Last evaluated: 2018-02-19. Review status: criteria provided, single submitter. Criteria: GeneDx Variant Classification (06012015). Collection method: clinical testing. Allele origin: germline. Affected: yes.
Comment: This variant is considered likely benign or benign based on one or more of the following criteria: it is a conservative change, it occurs at a poorly conserved position in the protein, it is predicted to be benign by multiple in silico algorithms, and/or has population frequency not consistent with disease.

Natera, Inc.
Classification: Likely benign for Citrullinemia type I. Last evaluated: 2018-11-27. Review status: no assertion criteria provided. Collection method: clinical testing. Allele origin: germline. Not counted in ClinVar's aggregate classification.